The following is an entry in ClinVar:

GRCh37/hg19 20q13.33(chr20:62044658-62091058)x1

Gene: KCNQ2 (potassium voltage-gated channel subfamily Q member 2; minus strand). Cytogenetic location: 20q13.33.
Variant type: copy number loss.
Change: copy number 1 (one copy instead of two) of chr20:62,044,658-62,091,058 (46.4 kb, GRCh37 coordinates, 1-based), cytogenetic band 20q13.33.
Identifiers: ClinVar variation 2685652 (VCV002685652.1).

ClinVar aggregate classification (germline): Pathogenic (1 of 4 stars; one submission).

Submission:

Quest Diagnostics Nichols Institute San Juan Capistrano
Classification: Pathogenic. Last evaluated: 2023-01-04. Review status: criteria provided, single submitter. Criteria: ACMG/ClinGen CNV Guidelines, 2019. Collection method: clinical testing. Allele origin: unknown.
Comment: The 20q13.33 deletion involves an intragenic portion of the KCNQ2 gene (OMIM 602235, NM_172107.4 ). Haploinsufficiency of KCNQ2 has been associated with autosomal dominant seizure disorders including benign familial neonatal seizures-1 (OMIM 121200) and early infantile epileptic encephalopathy-7 (OMIM 613720). Similar intragenic deletions of KCNQ2 gene have been reported in multiple patients (Epilepsia. 2018 May;59(5):1062-1071. PMID: 29655203; J Med Genet. 2007 Dec;44(12):791-6. PMID: 17675531; Epilepsia. 2015 Jul;56(7):1071-80. PMID: 25982755).